The following is an entry in ClinVar:

NM_021098.3(CACNA1H):c.1528C>A (p.His510Asn)

Gene: CACNA1H (calcium voltage-gated channel subunit alpha1 H; plus strand). Cytogenetic location: 16p13.3.
Variant type: single nucleotide variant.
Coding change: c.1528C>A on transcript NM_021098.3 (MANE Select); coding-DNA position 1528, C replaced by A.
Protein change: p.His510Asn; replaces histidine 510 with asparagine.
Molecular consequence: missense variant.
Genome position (GRCh38, 1-based): chr16:1,201,978, C>A. VCF-style: chr16-1201978-C-A. GRCh37 (hg19) VCF-style: chr16-1251978-C-A.
Other names: c.1528C>A, p.His510Asn (NM_001005407.2); short protein forms H510N.
Identifiers: ClinVar variation 1987647 (VCV001987647.5), dbSNP rs1334330584, ClinGen allele CA394161152.
Genomic context (GRCh38, chr16:1,201,978, plus strand): 5'-GTGGACCCCAGTGCTGTGCAAGGCCAGGGTCCCGGGCACCGCCAGCGCCGGGCAGGCAGG[C>A]ACACAGCCTCGGTGCACCACCTGGTCTACCACCACCATCACCACCACCACCACCACTACC-3'
Protein context (NP_066921.2, residues 500-520): PGHRQRRAGR[His510Asn]TASVHHLVYH

ClinVar aggregate classification (germline): Uncertain significance. Review status: criteria provided, multiple submitters, no conflicts (2 of 4 stars). 2 submissions from 2 submitters: Uncertain significance (2). Last evaluated 2025-02-10.

Conditions:
Idiopathic generalized epilepsy. Also called: Generalised epilepsy; EIG. Identifiers: MedGen C0270850, MONDO:0005579, OMIM 600669.
Hyperaldosteronism, familial, type IV (HALD4). Also called: FH IV; ALDOSTERONISM, PRIMARY, AND HYPERTENSION. Identifiers: Orphanet 642671, MedGen C4310756, MONDO:0014875, OMIM 617027.
Epilepsy, childhood absence, susceptibility to, 6. Identifiers: Orphanet 64280, MedGen C2749872, MONDO:0012763, OMIM 611942.

Submissions (2):

Labcorp Genetics (formerly Invitae), Labcorp
Classification: Uncertain significance for Idiopathic generalized epilepsy; Hyperaldosteronism, familial, type IV. Last evaluated: 2025-02-10. Review status: criteria provided, single submitter. Criteria: Invitae Variant Classification Sherloc (09022015). Collection method: clinical testing. Allele origin: germline.
Comment: This sequence change replaces histidine, which is basic and polar, with asparagine, which is neutral and polar, at codon 510 of the CACNA1H protein (p.His510Asn). This variant is not present in population databases (gnomAD no frequency). This missense change has been observed in individual(s) with epilepsy (PMID: 31069529). ClinVar contains an entry for this variant (Variation ID: 1987647). Invitae Evidence Modeling of protein sequence and biophysical properties (such as structural, functional, and spatial information, amino acid conservation, physicochemical variation, residue mobility, and thermodynamic stability) indicates that this missense variant is not expected to disrupt CACNA1H protein function with a negative predictive value of 80%. In summary, the available evidence is currently insufficient to determine the role of this variant in disease. Therefore, it has been classified as a Variant of Uncertain Significance.

Fulgent Genetics
Classification: Uncertain significance for Epilepsy, childhood absence, susceptibility to, 6; Hyperaldosteronism, familial, type IV. Last evaluated: 2024-04-24. Review status: criteria provided, single submitter. Criteria: ACMG Guidelines, 2015. Collection method: clinical testing. Allele origin: germline.

Literature cited by the submitters: PubMed 31069529 (cited by Labcorp Genetics (formerly Invitae), Labcorp).